The following is an entry in ClinVar:

ClinVar aggregate classification (germline): Uncertain significance (1 of 4 stars; one submission).

Conditions:
Myofibrillar myopathy 3 (MFM3). Also called: Muscular dystrophy, proximal, type 1A; Autosomal dominant spheroid body myopathy. Identifiers: Orphanet 266, Orphanet 268129, MedGen C3714934, MONDO:0012215, OMIM 609200.

Submission:

Labcorp Genetics (formerly Invitae), Labcorp
Classification: Uncertain significance for Myofibrillar myopathy 3. Last evaluated: 2021-08-03. Review status: criteria provided, single submitter. Criteria: Invitae Variant Classification Sherloc (09022015). Collection method: clinical testing. Allele origin: germline.
Comment: Algorithms developed to predict the effect of missense changes on protein structure and function are either unavailable or do not agree on the potential impact of this missense change (SIFT: "Tolerated"; PolyPhen-2: "Probably Damaging"; Align-GVGD: "Class C0"). This variant has not been reported in the literature in individuals affected with MYOT-related conditions. This variant is not present in population databases (ExAC no frequency). This sequence change replaces arginine with glycine at codon 328 of the MYOT protein (p.Arg328Gly). The arginine residue is highly conserved and there is a moderate physicochemical difference between arginine and glycine. In summary, the available evidence is currently insufficient to determine the role of this variant in disease. Therefore, it has been classified as a Variant of Uncertain Significance.

NM_006790.3(MYOT):c.982A>G (p.Arg328Gly)

Genes: MYOT (myotilin; plus strand), PKD2L2-DT (PKD2L2 divergent transcript; minus strand). Cytogenetic location: 5q31.2.
Variant type: single nucleotide variant.
Coding change: c.982A>G on transcript NM_006790.3 (MANE Select); coding-DNA position 982, A replaced by G.
Protein change: p.Arg328Gly; replaces arginine 328 with glycine.
Molecular consequence: missense variant.
Genome position (GRCh38, 1-based): chr5:137,883,549, A>G. VCF-style: chr5-137883549-A-G. GRCh37 (hg19) VCF-style: chr5-137219238-A-G.
Other names: c.430A>G, p.Arg144Gly (NM_001135940.2); c.637A>G, p.Arg213Gly (NM_001300911.2); short protein forms R213G, R144G, R328G.
Identifiers: ClinVar variation 1402692 (VCV001402692.6), dbSNP rs2149988081, ClinGen allele CA361055859.